The following is an entry in ClinVar:

NM_015338.6(ASXL1):c.1145T>C (p.Ile382Thr)

Gene: ASXL1 (ASXL transcriptional regulator 1; plus strand). Cytogenetic location: 20q11.21.
Variant type: single nucleotide variant.
Coding change: c.1145T>C on transcript NM_015338.6 (MANE Select); coding-DNA position 1145, T replaced by C.
Protein change: p.Ile382Thr; replaces isoleucine 382 with threonine.
Molecular consequence: missense variant.
Genome position (GRCh38, 1-based): chr20:32,433,343, T>C. VCF-style: chr20-32433343-T-C. GRCh37 (hg19) VCF-style: chr20-31021146-T-C.
Other names: c.962T>C, p.Ile321Thr (NM_001363734.1); short protein forms I321T, I382T.
Identifiers: ClinVar variation 3439811 (VCV003439811.1).

ClinVar aggregate classification (germline): Uncertain significance (1 of 4 stars; one submission).

Conditions:
Inborn genetic diseases. Identifiers: MedGen C0950123, MeSH D030342.

Submission:

Ambry Genetics
Classification: Uncertain significance for Inborn genetic diseases. Last evaluated: 2024-12-08. Review status: criteria provided, single submitter. Criteria: Ambry Variant Classification Scheme 2023. Collection method: clinical testing. Allele origin: germline.
Comment: The p.I382T variant (also known as c.1145T>C), located in coding exon 12 of the ASXL1 gene, results from a T to C substitution at nucleotide position 1145. The isoleucine at codon 382 is replaced by threonine, an amino acid with similar properties. This amino acid position is conserved. In addition, this alteration is predicted to be tolerated by in silico analysis. Based on the available evidence, the clinical significance of this variant remains unclear.